The following is an entry in ClinVar:

ClinVar aggregate classification (germline): Uncertain significance (1 of 4 stars; one submission).

Submission:

GeneDx
Classification: Uncertain significance. Last evaluated: 2023-04-18. Review status: criteria provided, single submitter. Criteria: GeneDx Variant Classification Process June 2021. Collection method: clinical testing. Allele origin: germline. Affected: yes.
Comment: Not observed at significant frequency in large population cohorts (gnomAD); In silico analysis supports that this missense variant has a deleterious effect on protein structure/function; Has not been previously published as pathogenic or benign to our knowledge.

NM_004370.6(COL12A1):c.8555C>A (p.Pro2852His)

Gene: COL12A1 (collagen type XII alpha 1 chain; minus strand). Cytogenetic location: 6q13.
Variant type: single nucleotide variant.
Coding change: c.8555C>A on transcript NM_004370.6 (MANE Select); coding-DNA position 8555, C replaced by A.
Protein change: p.Pro2852His; replaces proline 2852 with histidine.
Molecular consequence: missense variant.
Genome position (GRCh38, 1-based): chr6:75,097,275, G>T on the plus strand (C>A on the coding strand, the complement: COL12A1 is on the minus strand). VCF-style: chr6-75097275-G-T. GRCh37 (hg19) VCF-style: chr6-75806991-G-T.
Other names: c.5063C>A, p.Pro1688His (NM_080645.3); short protein forms P1688H, P2852H.
Identifiers: ClinVar variation 2499824 (VCV002499824.1), dbSNP rs2533072782, ClinGen allele CA364737394.